The following is an entry in ClinVar:

NM_001145252.3(CFP):c.236G>A (p.Arg79Gln)

Gene: CFP (complement factor properdin; minus strand). Cytogenetic location: Xp11.23.
Variant type: single nucleotide variant.
Coding change: c.236G>A on transcript NM_001145252.3 (MANE Select); coding-DNA position 236, G replaced by A.
Protein change: p.Arg79Gln; replaces arginine 79 with glutamine.
Molecular consequence: missense variant.
Genome position (GRCh38, 1-based): chrX:47,628,269, C>T on the plus strand (G>A on the coding strand, the complement: CFP is on the minus strand). VCF-style: chrX-47628269-C-T. GRCh37 (hg19) VCF-style: chrX-47487668-C-T.
Other names: c.236G>A, p.Arg79Gln (NM_002621.2); short protein forms R79Q.
Identifiers: ClinVar variation 235395 (VCV000235395.14), dbSNP rs761962858, ClinGen allele CA10398981.

ClinVar aggregate classification (germline): Benign/Likely benign. Review status: criteria provided, multiple submitters, no conflicts (2 of 4 stars). 4 submissions from 4 submitters: Benign (2); Likely benign (1). 1 of the submissions does not count toward it. Last evaluated 2025-12-15.

Conditions:
CFP-related disorder. Also called: CFP-related condition.

Allele frequency attached by ClinVar (database versions not stated): gnomAD 0.00002 and 0.00021; TOPMed 0.00009; gnomAD exomes 0.00058 and 0.00114; ExAC 0.00178; 1000 Genomes Project 0.00212; 1000 Genomes Project 30x 0.00229.

Submissions (4):

Labcorp Genetics (formerly Invitae), Labcorp
Classification: Benign. Last evaluated: 2025-12-15. Review status: criteria provided, single submitter. Criteria: Invitae Variant Classification Sherloc (09022015). Collection method: clinical testing. Allele origin: germline.

Blueprint Genetics
Classification: Likely benign. Last evaluated: 2024-11-19. Review status: criteria provided, single submitter. Criteria: ACMG Guidelines, 2015. Collection method: clinical testing. Allele origin: germline.

Center for Pediatric Genomic Medicine, Children's Mercy Hospital and Clinics
Classification: Benign. Last evaluated: 2015-10-30. Review status: criteria provided, single submitter. Criteria: ACMG Guidelines, 2015. Collection method: clinical testing. Allele origin: germline.

PreventionGenetics, part of Exact Sciences
Classification: Benign for CFP-related condition. Last evaluated: 2019-06-11. Review status: no assertion criteria provided. Collection method: clinical testing. Allele origin: germline. Not counted in ClinVar's aggregate classification.
Comment: This variant is classified as benign based on ACMG/AMP sequence variant interpretation guidelines (Richards et al. 2015 PMID: 25741868, with internal and published modifications).